The following is an entry in ClinVar:

NM_022051.3(EGLN1):c.41G>C (p.Ser14Thr)

Gene: EGLN1 (egl-9 family hypoxia inducible factor 1; minus strand). Cytogenetic location: 1q42.2.
Variant type: single nucleotide variant.
Coding change: c.41G>C on transcript NM_022051.3 (MANE Select); coding-DNA position 41, G replaced by C.
Protein change: p.Ser14Thr; replaces serine 14 with threonine.
Molecular consequence: missense variant.
Genome position (GRCh38, 1-based): chr1:231,421,848, C>G on the plus strand (G>C on the coding strand, the complement: EGLN1 is on the minus strand). VCF-style: chr1-231421848-C-G. GRCh37 (hg19) VCF-style: chr1-231557594-C-G.
Other names: c.41G>C, p.Ser14Thr (NM_001377260.1, NM_001377261.1); short protein forms S14T.
Identifiers: ClinVar variation 4842503 (VCV004842503.1).
Genomic context (GRCh38, chr1:231,421,848, plus strand): 5'-CTGCAGCGCAGCAGGTTCTCCATCTTCCCGCACAGCTCGCAGTACTGCCGGTCTCGCTCG[C>G]TCGGGCTCGGCCCGCCGGGCCCGCCGCTGTCATTGGCCATGGCGGCGGCGGCGGCGGCGA-3'
Protein context (NP_071334.1, residues 4-24): DSGGPGGPSP[Ser14Thr]ERDRQYCELC

ClinVar aggregate classification (germline): Uncertain significance (1 of 4 stars; one submission).

Submission:

Ambry Genetics
Classification: Uncertain significance. Last evaluated: 2025-12-16. Review status: criteria provided, single submitter. Criteria: Ambry Variant Classification Scheme 2023. Collection method: clinical testing. Allele origin: germline.
Comment: The p.S14T variant (also known as c.41G>C), located in coding exon 1 of the EGLN1 gene, results from a G to C substitution at nucleotide position 41. The serine at codon 14 is replaced by threonine, an amino acid with similar properties. This amino acid position is conserved. In addition, this alteration is predicted to be tolerated by in silico analysis. Based on the available evidence, the clinical significance of this variant remains unclear.